The following is an entry in ClinVar:

NM_001999.4(FBN2):c.5240C>G (p.Thr1747Ser)

Gene: FBN2 (fibrillin 2; minus strand). Cytogenetic location: 5q23.3.
Variant type: single nucleotide variant.
Coding change: c.5240C>G on transcript NM_001999.4 (MANE Select); coding-DNA position 5240, C replaced by G.
Protein change: p.Thr1747Ser; replaces threonine 1747 with serine.
Molecular consequence: missense variant.
Genome position (GRCh38, 1-based): chr5:128,309,360, G>C on the plus strand (C>G on the coding strand, the complement: FBN2 is on the minus strand). VCF-style: chr5-128309360-G-C. GRCh37 (hg19) VCF-style: chr5-127645052-G-C.
Other names: c.5240C>G (NM_001999.3); short protein forms T1747S.
Identifiers: ClinVar variation 2162161 (VCV002162161.5), dbSNP rs770171129, ClinGen allele CA360744188.

ClinVar aggregate classification (germline): Uncertain significance. Review status: criteria provided, multiple submitters, no conflicts (2 of 4 stars). 2 submissions from 2 submitters: Uncertain significance (2). Last evaluated 2025-09-16.

Conditions:
Familial thoracic aortic aneurysm and aortic dissection (TAAD). Also called: Thoracic aortic aneurysms and dissections. Identifiers: Orphanet 91387, MedGen C4707243, MONDO:0019625.
Congenital contractural arachnodactyly (CCA). Also called: Arthrogryposis, distal, type 9; BEALS SYNDROME; Beals-Hecht syndrome. Identifiers: Orphanet 115, MedGen C0220668, MONDO:0007363, OMIM 121050.

gnomAD v4.1: 4 of 1,613,934 alleles (0.00025%); highest among the groups gnomAD compares: Non-Finnish European, 0.00034%; no homozygotes.

Submissions (2):

Ambry Genetics
Classification: Uncertain significance for Familial thoracic aortic aneurysm and aortic dissection. Last evaluated: 2025-09-16. Review status: criteria provided, single submitter. Criteria: Ambry Variant Classification Scheme 2023. Collection method: clinical testing. Allele origin: germline.
Comment: The p.T1747S variant (also known as c.5240C>G), located in coding exon 41 of the FBN2 gene, results from a C to G substitution at nucleotide position 5240. The threonine at codon 1747 is replaced by serine, an amino acid with similar properties. This amino acid position is highly conserved in available vertebrate species. In addition, the in silico prediction for this alteration is inconclusive. Based on the available evidence, the clinical significance of this variant remains unclear.

Labcorp Genetics (formerly Invitae), Labcorp
Classification: Uncertain significance for Congenital contractural arachnodactyly. Last evaluated: 2023-07-18. Review status: criteria provided, single submitter. Criteria: Invitae Variant Classification Sherloc (09022015). Collection method: clinical testing. Allele origin: germline.
Comment: This sequence change replaces threonine, which is neutral and polar, with serine, which is neutral and polar, at codon 1747 of the FBN2 protein (p.Thr1747Ser). This variant is not present in population databases (gnomAD no frequency). This variant has not been reported in the literature in individuals affected with FBN2-related conditions. ClinVar contains an entry for this variant (Variation ID: 2162161). Advanced modeling of protein sequence and biophysical properties (such as structural, functional, and spatial information, amino acid conservation, physicochemical variation, residue mobility, and thermodynamic stability) performed at Invitae indicates that this missense variant is not expected to disrupt FBN2 protein function. In summary, the available evidence is currently insufficient to determine the role of this variant in disease. Therefore, it has been classified as a Variant of Uncertain Significance.